The following is an entry in ClinVar:

ClinVar aggregate classification (germline): Uncertain significance. Review status: criteria provided, multiple submitters, no conflicts (2 of 4 stars). 3 submissions from 2 submitters: Uncertain significance (3). Last evaluated 2023-08-23.

Conditions:
Ventricular arrhythmias due to cardiac ryanodine receptor calcium release deficiency syndrome. Also called: Autosomal dominant cardiac arrhythmia (Kuhn). Identifiers: MedGen C5542154, MONDO:0020745, OMIM 115000.
Catecholaminergic polymorphic ventricular tachycardia 1. Also called: VENTRICULAR TACHYCARDIA, CATECHOLAMINERGIC POLYMORPHIC, 1, WITH OR WITHOUT ATRIAL DYSFUNCTION AND/OR DILATED CARDIOMYOPATHY; RYR2-Related Catecholaminergic Polymorphic Ventricular Tachycardia; VENTRICULAR TACHYCARDIA, STRESS-INDUCED POLYMORPHIC 1. Identifiers: Orphanet 3286, MedGen C1631597, MONDO:0011484, OMIM 604772.

Submissions (3):

Baylor Genetics
Classification: Uncertain significance for Catecholaminergic polymorphic ventricular tachycardia 1. Last evaluated: 2023-08-23. Review status: criteria provided, single submitter. Criteria: ACMG Guidelines, 2015. Collection method: clinical testing. Allele origin: unknown.

Baylor Genetics
Classification: Uncertain significance for Ventricular arrhythmias due to cardiac ryanodine receptor calcium release deficiency syndrome. Last evaluated: 2023-08-23. Review status: criteria provided, single submitter. Criteria: ACMG Guidelines, 2015. Collection method: clinical testing. Allele origin: unknown.

Labcorp Genetics (formerly Invitae), Labcorp
Classification: Uncertain significance for Catecholaminergic polymorphic ventricular tachycardia 1. Last evaluated: 2023-07-24. Review status: criteria provided, single submitter. Criteria: Invitae Variant Classification Sherloc (09022015). Collection method: clinical testing. Allele origin: germline.
Comment: This variant has not been reported in the literature in individuals affected with RYR2-related conditions. In summary, the available evidence is currently insufficient to determine the role of this variant in disease. Therefore, it has been classified as a Variant of Uncertain Significance. Advanced modeling of protein sequence and biophysical properties (such as structural, functional, and spatial information, amino acid conservation, physicochemical variation, residue mobility, and thermodynamic stability) performed at Invitae indicates that this missense variant is expected to disrupt RYR2 protein function. This variant is not present in population databases (gnomAD no frequency). This sequence change replaces glycine, which is neutral and non-polar, with glutamic acid, which is acidic and polar, at codon 4711 of the RYR2 protein (p.Gly4711Glu).

NM_001035.3(RYR2):c.14132G>A (p.Gly4711Glu)

Gene: RYR2 (ryanodine receptor 2; plus strand). Cytogenetic location: 1q43.
Variant type: single nucleotide variant.
Coding change: c.14132G>A on transcript NM_001035.3 (MANE Select); coding-DNA position 14132, G replaced by A.
Protein change: p.Gly4711Glu; replaces glycine 4711 with glutamic acid.
Molecular consequence: missense variant.
Genome position (GRCh38, 1-based): chr1:237,801,897, G>A. VCF-style: chr1-237801897-G-A. GRCh37 (hg19) VCF-style: chr1-237965197-G-A.
Other names: short protein forms G4711E.
Identifiers: ClinVar variation 2582328 (VCV002582328.4), dbSNP rs2528071514, ClinGen allele CA345421200.